The following is an entry in ClinVar:

NM_012310.5(KIF4A):c.1210C>T (p.Arg404Cys)

Gene: KIF4A (kinesin family member 4A; plus strand). Cytogenetic location: Xq13.1.
Variant type: single nucleotide variant.
Coding change: c.1210C>T on transcript NM_012310.5 (MANE Select); coding-DNA position 1210, C replaced by T.
Protein change: p.Arg404Cys; replaces arginine 404 with cysteine.
Molecular consequence: missense variant.
Genome position (GRCh38, 1-based): chrX:70,341,875, C>T. VCF-style: chrX-70341875-C-T. GRCh37 (hg19) VCF-style: chrX-69561725-C-T.
Other names: short protein forms R404C.
Identifiers: ClinVar variation 4294383 (VCV004294383.1).

ClinVar aggregate classification (germline): Uncertain significance (1 of 4 stars; one submission).

Conditions:
Intellectual developmental disorder, X-linked 100. Also called: Intellectual disability, X-linked 100. Identifiers: MedGen C3890167, MONDO:0010488, OMIM 300923.

Submission:

Laboratoire Génétique Moléculaire, CHRU TOURS
Classification: Uncertain significance for Intellectual developmental disorder, X-linked 100. Last evaluated: 2024-10-15. Review status: criteria provided, single submitter. Criteria: ACMG Guidelines, 2015. Collection method: clinical testing. Allele origin: maternal. Affected: yes.
Comment: PM2